The following is an entry in ClinVar:

NM_000245.4(MET):c.2232C>G (p.Val744=)

Gene: MET (MET proto-oncogene, receptor tyrosine kinase; plus strand). Cytogenetic location: 7q31.2.
Variant type: single nucleotide variant.
Coding change: c.2232C>G on transcript NM_000245.4 (MANE Select); coding-DNA position 2232, C replaced by G.
Protein change: p.Val744=; no amino-acid change (valine 744 retained).
Molecular consequence: synonymous variant.
Genome position (GRCh38, 1-based): chr7:116,758,588, C>G. VCF-style: chr7-116758588-C-G. GRCh37 (hg19) VCF-style: chr7-116398642-C-G.
Other names: c.2232C>G, p.Val744= (NM_001127500.3, NM_001324401.3); c.942C>G, p.Val314= (NM_001324402.2).
Identifiers: ClinVar variation 416938 (VCV000416938.53), dbSNP rs1060504944, ClinGen allele CA16612258.

ClinVar aggregate classification (germline): Benign/Likely benign. Review status: criteria provided, multiple submitters, no conflicts (2 of 4 stars). 3 submissions from 3 submitters: Benign (1); Likely benign (2). Last evaluated 2025-11-03.

Conditions:
Hereditary cancer-predisposing syndrome. Also called: Tumor predisposition; Neoplastic Syndromes, Hereditary; Hereditary neoplastic syndrome; Hereditary Cancer Syndrome. Identifiers: Orphanet 140162, MedGen C0027672, MeSH D009386, MONDO:0015356.
Papillary renal cell carcinoma type 1 (RCCP1). Also called: RENAL CELL CARCINOMA, PAPILLARY, 1, SOMATIC; Renal adenocarcinoma; Renal cell carcinoma 1; Renal cell carcinoma, somatic. Identifiers: Orphanet 47044, MedGen C1336839, OMIM 605074, HP:0011797.
Renal cell carcinoma. Identifiers: Orphanet 217071, MedGen C0007134, MeSH D002292, MONDO:0005086, HP:0005584.

Allele frequency attached by ClinVar (database versions not stated): TOPMed below 0.00001.

Submissions (3):

Labcorp Genetics (formerly Invitae), Labcorp
Classification: Likely benign for Renal cell carcinoma. Last evaluated: 2025-11-03. Review status: criteria provided, single submitter. Criteria: Invitae Variant Classification Sherloc (09022015). Collection method: clinical testing. Allele origin: germline.

Myriad Genetics, Inc.
Classification: Benign for Papillary renal cell carcinoma type 1. Last evaluated: 2024-11-08. Review status: criteria provided, single submitter. Criteria: Myriad Autosomal Dominant, Autosomal Recessive and X-Linked Classification Criteria (2023). Collection method: clinical testing. Allele origin: unknown.
Comment: This variant is considered benign. This variant is a silent/synonymous amino acid change and it is not expected to impact splicing.

Ambry Genetics
Classification: Likely benign for Hereditary cancer-predisposing syndrome. Last evaluated: 2019-01-11. Review status: criteria provided, single submitter. Criteria: Ambry Variant Classification Scheme 2023. Collection method: clinical testing. Allele origin: germline.